The following is an entry in ClinVar:

NM_020401.4(NUP107):c.2437G>A (p.Val813Met)

Gene: NUP107 (nucleoporin 107; plus strand). Cytogenetic location: 12q15.
Variant type: single nucleotide variant.
Coding change: c.2437G>A on transcript NM_020401.4 (MANE Select); coding-DNA position 2437, G replaced by A.
Protein change: p.Val813Met; replaces valine 813 with methionine.
Molecular consequence: missense variant.
Genome position (GRCh38, 1-based): chr12:68,735,279, G>A. VCF-style: chr12-68735279-G-A. GRCh37 (hg19) VCF-style: chr12-69129059-G-A.
Other names: c.2350G>A, p.Val784Met (NM_001330192.2); short protein forms V784M, V813M.
Identifiers: ClinVar variation 3049940 (VCV003049940.2), dbSNP rs2498984273, ClinGen allele CA385699325.

ClinVar aggregate classification (germline): Uncertain significance (0 of 4 stars; one submission).

Conditions:
NUP107-related disorder. Also called: NUP107-related condition.

Allele frequency attached by ClinVar (database versions not stated): gnomAD exomes below 0.00001.
gnomAD v4.1: 1 of 1,614,098 alleles (0.000062%); highest among the groups gnomAD compares: East Asian, 0.0022%; no homozygotes.

Submission:

PreventionGenetics, part of Exact Sciences
Classification: Uncertain significance for NUP107-related condition. Last evaluated: 2023-12-29. Review status: no assertion criteria provided. Collection method: clinical testing. Allele origin: germline.
Comment: The NUP107 c.2437G>A variant is predicted to result in the amino acid substitution p.Val813Met. With a canonical splice variant, this variant has been reported in an individual with autosomal recessive steroid resistant nephrotic syndrome (Zhu et al. 2022. PubMed ID: 35755072, Supplementary Table 1). This variant has not been reported in a large population database, indicating this variant is rare. Although we suspect this variant could be pathogenic, at this time, the clinical significance of this variant is uncertain due to the absence of conclusive functional and genetic evidence.